The following is an entry in ClinVar:

NM_024675.4(PALB2):c.1375G>A (p.Asp459Asn)

Gene: PALB2 (partner and localizer of BRCA2; minus strand). Cytogenetic location: 16p12.2.
Variant type: single nucleotide variant.
Coding change: c.1375G>A on transcript NM_024675.4 (MANE Select); coding-DNA position 1375, G replaced by A.
Protein change: p.Asp459Asn; replaces aspartic acid 459 with asparagine.
Molecular consequence: missense variant.
Genome position (GRCh38, 1-based): chr16:23,635,171, C>T on the plus strand (G>A on the coding strand, the complement: PALB2 is on the minus strand). VCF-style: chr16-23635171-C-T. GRCh37 (hg19) VCF-style: chr16-23646492-C-T.
Other names: short protein forms D459N.
Identifiers: ClinVar variation 1353784 (VCV001353784.9), dbSNP rs2142417951, ClinGen allele CA395131423.

ClinVar aggregate classification (germline): Uncertain significance (1 of 4 stars; one submission).

Conditions:
Familial cancer of breast. Also called: hereditary breast carcinoma; Hereditary breast cancer; BREAST CANCER, FAMILIAL. Identifiers: Orphanet 227535, MedGen C0346153, MONDO:0016419, OMIM 114480. Disease mechanism: loss of function.

gnomAD v4.1: 2 of 1,614,180 alleles (0.00012%); highest among the groups gnomAD compares: African/African-American, 0.0013%; no homozygotes.

Submission:

Labcorp Genetics (formerly Invitae), Labcorp
Classification: Uncertain significance for Familial cancer of breast. Last evaluated: 2023-05-15. Review status: criteria provided, single submitter. Criteria: Invitae Variant Classification Sherloc (09022015). Collection method: clinical testing. Allele origin: germline.
Comment: In summary, the available evidence is currently insufficient to determine the role of this variant in disease. Therefore, it has been classified as a Variant of Uncertain Significance. Advanced modeling of protein sequence and biophysical properties (such as structural, functional, and spatial information, amino acid conservation, physicochemical variation, residue mobility, and thermodynamic stability) performed at Invitae indicates that this missense variant is not expected to disrupt PALB2 protein function. ClinVar contains an entry for this variant (Variation ID: 1353784). This variant has not been reported in the literature in individuals affected with PALB2-related conditions. This variant is not present in population databases (gnomAD no frequency). This sequence change replaces aspartic acid, which is acidic and polar, with asparagine, which is neutral and polar, at codon 459 of the PALB2 protein (p.Asp459Asn).